The following is an entry in ClinVar:

ClinVar aggregate classification (germline): Likely benign. Review status: criteria provided, single submitter (1 of 4 stars). 2 submissions from 2 submitters: Likely benign (1). 1 of the submissions does not count toward it. Last evaluated 2023-07-01.

Conditions:
Angelman syndrome (AS). Also called: HAPPY PUPPET SYNDROME. Identifiers: Orphanet 72, MedGen C0162635, MONDO:0007113, OMIM 105830. Disease mechanism: loss of function. Inheritance: AS is caused by disruption of maternally imprinted UBE3A located within the 15q11.2-q13 Angelman syndrome/Prader-Willi syndrome (AS/PWS) region., imprinting disorder.

Allele frequency attached by ClinVar (database versions not stated): 1000 Genomes Project 30x 0.00187; ESP Exome Variant Server 0.00192; gnomAD 0.00199 and 0.00204; 1000 Genomes Project 0.00200; ExAC 0.00200; gnomAD exomes 0.00211 and 0.00253; TOPMed 0.00237.

Submissions (2):

CeGaT Center for Human Genetics Tuebingen
Classification: Likely benign. Last evaluated: 2023-07-01. Review status: criteria provided, single submitter. Criteria: CeGaT Center For Human Genetics Tuebingen Variant Classification Criteria Version 2. Collection method: clinical testing. Allele origin: germline. Affected: yes. Observed: 2 variant alleles.
Comment: UBE3A: BS1

Baylor Genetics
Classification: Uncertain significance for Angelman syndrome. Last evaluated: 2014-02-14. Review status: no assertion criteria provided. Collection method: clinical testing. Allele origin: paternal. Affected: yes. Observed: 6 variant alleles. Study: UBE3A Mutation Study. Not counted in ClinVar's aggregate classification.
Comment: possible diagnosis of Angelman syndrome

Data collected from clinical UBE3A sequence analysis results

Literature cited by the submitters: PubMed 25212744 (cited by Baylor Genetics).

NM_130839.5(UBE3A):c.2499-34del

Genes: SNHG14 (small nucleolar RNA host gene 14; plus strand), UBE3A (ubiquitin protein ligase E3A; minus strand). Cytogenetic location: 15q11.2.
Variant type: Deletion.
Coding change: c.2499-34del on transcript NM_130839.5 (MANE Select); 34 bases into the intron before coding-DNA position 2499, one base deleted (G; older notation c.2499-34delG).
Molecular consequence: intron variant.
Genome position (GRCh38, 1-based): chr15:25,339,291, C deleted on the plus strand (G on the coding strand, the reverse complement: UBE3A is on the minus strand). VCF-style (leftmost placement, unchanged base first): chr15-25339290-AC-A. GRCh37 (hg19) VCF-style: chr15-25584437-AC-A.
Other names: c.2322-34del (NM_001354546.2); c.1188-34del (NM_001354551.2); c.2274-34del (NM_001354549.2); c.2283-34del (NM_001354548.2, NM_001354547.2); c.2439-34del (NM_130838.4, NM_001354542.2, NM_001354523.2 and 14 more transcripts); c.1248-34del (NM_001354550.2); c.2343-34del (NM_001354545.2); c.2499-34del (NM_001354538.2, NM_001354505.1); and 1 more.
Identifiers: ClinVar variation 156146 (VCV000156146.26), dbSNP rs564915971, ClinGen allele CA333453.